The following is an entry in ClinVar:

ClinVar aggregate classification (germline): Uncertain significance (1 of 4 stars; one submission).

Submission:

GeneDx
Classification: Uncertain significance. Last evaluated: 2025-06-11. Review status: criteria provided, single submitter. Criteria: GeneDx Variant Classification Process June 2021. Collection method: clinical testing. Allele origin: germline. Affected: yes.
Comment: Not observed at significant frequency in large population cohorts (gnomAD); In silico analysis supports that this missense variant has a deleterious effect on protein structure/function; Has not been previously published as pathogenic or benign to our knowledge

NM_006180.6(NTRK2):c.2405T>C (p.Met802Thr)

Gene: NTRK2 (neurotrophic receptor tyrosine kinase 2; plus strand). Cytogenetic location: 9q21.33.
Variant type: single nucleotide variant.
Coding change: c.2405T>C on transcript NM_006180.6 (MANE Select); coding-DNA position 2405, T replaced by C.
Protein change: p.Met802Thr; replaces methionine 802 with threonine.
Molecular consequence: missense variant.
Genome position (GRCh38, 1-based): chr9:85,021,325, T>C. VCF-style: chr9-85021325-T-C. GRCh37 (hg19) VCF-style: chr9-87636240-T-C.
Other names: c.2357T>C, p.Met786Thr (NM_001018064.3, NM_001369532.1, NM_001369533.1); c.2321T>C, p.Met774Thr (NM_001369534.1); c.1889T>C, p.Met630Thr (NM_001369535.1); c.1937T>C, p.Met646Thr (NM_001369536.1); short protein forms M630T, M646T, M774T, M786T, M802T.
Identifiers: ClinVar variation 4537724 (VCV004537724.1).